The following is an entry in ClinVar:

NM_018089.3(ANKZF1):c.582GCT[1] (p.Leu196del)

Gene: ANKZF1 (ankyrin repeat and zinc finger peptidyl tRNA hydrolase 1; plus strand). Cytogenetic location: 2q35.
Variant type: Microsatellite.
Coding change: c.582GCT[1] on transcript NM_018089.3 (MANE Select); one copy of the 3-base unit GCT starting at c.582; the reference has two copies in a row; one copy, 3 bases deleted.
Protein change: p.Leu196del; deletes leucine 196.
Molecular consequence: inframe deletion. On other transcripts: 5 prime UTR variant (1).
Genome position (GRCh38, 1-based): chr2:219,233,105-219,233,107, GCT deleted; deleting any 3 consecutive bases within chr2:219,233,100-219,233,107 gives the same sequence; the position shown is the placement nearest the transcript's 3' end. VCF-style (leftmost placement, unchanged base first): chr2-219233099-ACTG-A. GRCh37 (hg19) VCF-style: chr2-220097821-ACTG-A.
Other names: c.582GCT[1], p.Leu196del (NM_001042410.2); c.-49GCT[1] (NM_001282792.2); short protein forms L196del.
Identifiers: ClinVar variation 1477640 (VCV001477640.6), dbSNP rs1252723298, ClinGen allele CA539632140.

ClinVar aggregate classification (germline): Uncertain significance (1 of 4 stars; one submission).

Submission:

Labcorp Genetics (formerly Invitae), Labcorp
Classification: Uncertain significance. Last evaluated: 2026-01-18. Review status: criteria provided, single submitter. Criteria: Invitae Variant Classification Sherloc (09022015). Collection method: clinical testing. Allele origin: germline.
Comment: This variant, c.585_587del, results in the deletion of 1 amino acid(s) of the ANKZF1 protein (p.Leu196del), but otherwise preserves the integrity of the reading frame. This variant is present in population databases (no rsID available, gnomAD 0.003%). This variant has not been reported in the literature in individuals affected with ANKZF1-related conditions. Experimental studies and prediction algorithms are not available or were not evaluated, and the functional significance of this variant is currently unknown. In summary, the available evidence is currently insufficient to determine the role of this variant in disease. Therefore, it has been classified as a Variant of Uncertain Significance.